The following is an entry in ClinVar:

NM_018896.5(CACNA1G):c.3299C>T (p.Ala1100Val)

Gene: CACNA1G (calcium voltage-gated channel subunit alpha1 G; plus strand). Cytogenetic location: 17q21.33.
Variant type: single nucleotide variant.
Coding change: c.3299C>T on transcript NM_018896.5 (MANE Select); coding-DNA position 3299, C replaced by T.
Protein change: p.Ala1100Val; replaces alanine 1100 with valine.
Molecular consequence: missense variant. On other transcripts: non-coding transcript variant (5).
Genome position (GRCh38, 1-based): chr17:50,599,468, C>T. VCF-style: chr17-50599468-C-T. GRCh37 (hg19) VCF-style: chr17-48676829-C-T.
Other names: c.3299C>T, p.Ala1100Val (NM_001256324.2, NM_001256325.2, NM_001256326.2 and 16 more transcripts); c.3230C>T, p.Ala1077Val (NM_001256332.2, NM_198376.3, NM_198379.3 and 5 more transcripts); short protein forms A1077V, A1100V.
Identifiers: ClinVar variation 2576923 (VCV002576923.1), dbSNP rs2545420931, ClinGen allele CA400252902.

ClinVar aggregate classification (germline): Uncertain significance (1 of 4 stars; one submission).

Allele frequency attached by ClinVar (database versions not stated): gnomAD exomes below 0.00001.
gnomAD v4.1: 1 of 1,579,140 alleles (0.000063%); highest among the groups gnomAD compares: Non-Finnish European, 0.000086%; no homozygotes.

Submission:

GeneDx
Classification: Uncertain significance. Last evaluated: 2023-02-21. Review status: criteria provided, single submitter. Criteria: GeneDx Variant Classification Process June 2021. Collection method: clinical testing. Allele origin: germline. Affected: yes.
Comment: Not observed at significant frequency in large population cohorts (gnomAD); In silico analysis supports that this missense variant does not alter protein structure/function; Has not been previously published as pathogenic or benign to our knowledge